The following is an entry in ClinVar:

NM_012193.4(FZD4):c.*647A>G

Genes: PRSS23 (serine protease 23; plus strand), FZD4 (frizzled class receptor 4; minus strand). Cytogenetic location: 11q14.2.
Variant type: single nucleotide variant.
Coding change: c.*647A>G on transcript NM_012193.4 (MANE Select); 647 bases downstream of the stop codon, A replaced by G.
Molecular consequence: 3 prime UTR variant. On other transcripts: non-coding transcript variant (1).
Genome position (GRCh38, 1-based): chr11:86,950,495, T>C on the plus strand (A>G on the coding strand, the complement: FZD4 is on the minus strand). VCF-style: chr11-86950495-T-C. GRCh37 (hg19) VCF-style: chr11-86661537-T-C.
Identifiers: ClinVar variation 306394 (VCV000306394.5), dbSNP rs552492300, ClinGen allele CA10639602.

ClinVar aggregate classification (germline): Benign (1 of 4 stars; one submission).

Conditions:
Exudative vitreoretinopathy 1 (EVR1). Also called: CRISWICK-SCHEPENS SYNDROME; FEVR, AUTOSOMAL DOMINANT; Familial exudative vitreoretinopathy, autosomal dominant. Identifiers: Orphanet 891, Orphanet 90050, MedGen C1851402, MONDO:0007589, OMIM 133780.

Allele frequency attached by ClinVar (database versions not stated): gnomAD 0.00006 and 0.00014; TOPMed 0.00009; 1000 Genomes Project 30x 0.00078; 1000 Genomes Project 0.00080.

Submission:

Illumina Laboratory Services, Illumina
Classification: Benign for Exudative vitreoretinopathy 1. Last evaluated: 2018-01-13. Review status: criteria provided, single submitter. Criteria: ICSL Variant Classification Criteria 13 December 2019. Collection method: clinical testing. Allele origin: germline.
Comment: This variant was observed in the ICSL laboratory as part of a predisposition screen in an ostensibly healthy population. It had not been previously curated by ICSL or reported in the Human Gene Mutation Database (HGMD: prior to June 1st, 2018), and was therefore a candidate for classification through an automated scoring system. Utilizing variant allele frequency, disease prevalence and penetrance estimates, and inheritance mode, an automated score was calculated to assess if this variant is too frequent to cause the disease. Based on the score and internal cut-off values, a variant classified as benign is not then subjected to further curation. The score for this variant resulted in a classification of benign for this disease.